The following is an entry in ClinVar:

ClinVar aggregate classification (germline): Uncertain significance (1 of 4 stars; one submission).

Conditions:
Microcephaly-intellectual disability-sensorineural hearing loss-epilepsy-abnormal muscle tone syndrome (NEDHSB). Also called: NEURODEVELOPMENTAL DISORDER WITH HEARING LOSS, SEIZURES, AND BRAIN ABNORMALITIES. Identifiers: Orphanet 457351, MedGen C4225276, MONDO:0014698, OMIM 616577.

Allele frequency attached by ClinVar (database versions not stated): TOPMed 0.00001.
gnomAD v4.1: 19 of 1,612,726 alleles (0.0012%); highest among the groups gnomAD compares: South Asian, 0.0022%; no homozygotes.

Submission:

Labcorp Genetics (formerly Invitae), Labcorp
Classification: Uncertain significance for Microcephaly-intellectual disability-sensorineural hearing loss-epilepsy-abnormal muscle tone syndrome. Last evaluated: 2022-07-22. Review status: criteria provided, single submitter. Criteria: Invitae Variant Classification Sherloc (09022015). Collection method: clinical testing. Allele origin: germline.
Comment: This sequence change replaces alanine, which is neutral and non-polar, with threonine, which is neutral and polar, at codon 404 of the SPATA5 protein (p.Ala404Thr). This variant is present in population databases (rs759837923, gnomAD 0.002%). This variant has not been reported in the literature in individuals affected with SPATA5-related conditions. Advanced modeling of protein sequence and biophysical properties (such as structural, functional, and spatial information, amino acid conservation, physicochemical variation, residue mobility, and thermodynamic stability) performed at Invitae indicates that this missense variant is expected to disrupt SPATA5 protein function. In summary, the available evidence is currently insufficient to determine the role of this variant in disease. Therefore, it has been classified as a Variant of Uncertain Significance.

NM_145207.3(AFG2A):c.1210G>A (p.Ala404Thr)

Gene: AFG2A (AFG2 AAA ATPase homolog A; plus strand). Cytogenetic location: 4q28.1.
Variant type: single nucleotide variant.
Coding change: c.1210G>A on transcript NM_145207.3 (MANE Select); coding-DNA position 1210, G replaced by A.
Protein change: p.Ala404Thr; replaces alanine 404 with threonine.
Molecular consequence: missense variant.
Genome position (GRCh38, 1-based): chr4:122,935,776, G>A. VCF-style: chr4-122935776-G-A. GRCh37 (hg19) VCF-style: chr4-123856931-G-A.
Other names: c.1207G>A, p.Ala403Thr (NM_001317799.2, NM_001345856.2); short protein forms A403T, A404T.
Identifiers: ClinVar variation 2201734 (VCV002201734.1), dbSNP rs759837923, ClinGen allele CA3070393.